The following is an entry in ClinVar:

ClinVar aggregate classification (germline): Uncertain significance (1 of 4 stars; one submission).

gnomAD v4.1: 10 of 1,614,166 alleles (0.00062%); highest among the groups gnomAD compares: Admixed American, 0.0017%; no homozygotes.

Submission:

Labcorp Genetics (formerly Invitae), Labcorp
Classification: Uncertain significance. Last evaluated: 2025-05-11. Review status: criteria provided, single submitter. Criteria: Invitae Variant Classification Sherloc (09022015). Collection method: clinical testing. Allele origin: germline.
Comment: This sequence change replaces alanine, which is neutral and non-polar, with threonine, which is neutral and polar, at codon 578 of the SPTB protein (p.Ala578Thr). This variant is present in population databases (rs781111810, gnomAD 0.003%). This variant has not been reported in the literature in individuals affected with SPTB-related conditions. An algorithm developed to predict the effect of missense changes on protein structure and function (PolyPhen-2) suggests that this variant is likely to be disruptive. In summary, the available evidence is currently insufficient to determine the role of this variant in disease. Therefore, it has been classified as a Variant of Uncertain Significance.

NM_001355436.2(SPTB):c.1732G>A (p.Ala578Thr)

Gene: SPTB (spectrin beta, erythrocytic; minus strand). Cytogenetic location: 14q23.3.
Variant type: single nucleotide variant.
Coding change: c.1732G>A on transcript NM_001355436.2 (MANE Select); coding-DNA position 1732, G replaced by A.
Protein change: p.Ala578Thr; replaces alanine 578 with threonine.
Molecular consequence: missense variant.
Genome position (GRCh38, 1-based): chr14:64,794,530, C>T on the plus strand (G>A on the coding strand, the complement: SPTB is on the minus strand). VCF-style: chr14-64794530-C-T. GRCh37 (hg19) VCF-style: chr14-65261248-C-T.
Other names: c.1732G>A, p.Ala578Thr (NM_001024858.4, NM_001355437.2); short protein forms A578T.
Identifiers: ClinVar variation 4705055 (VCV004705055.1).